The following is an entry in ClinVar:

NM_000059.4(BRCA2):c.2745_2746del (p.Val917fs)

Gene: BRCA2 (BRCA2 DNA repair associated; plus strand). Cytogenetic location: 13q13.1.
Variant type: Deletion.
Coding change: c.2745_2746del on transcript NM_000059.4 (MANE Select); coding-DNA positions 2745 to 2746, 2 bases deleted (TT; older notation c.2745_2746delTT).
Protein change: p.Val917fs; shifts the reading frame from valine 917.
Molecular consequence: frameshift variant.
Genome position (GRCh38, 1-based): chr13:32,337,100-32,337,101, TT deleted. VCF-style (leftmost placement, unchanged base first): chr13-32337099-CTT-C. GRCh37 (hg19) VCF-style: chr13-32911236-CTT-C.
Other names: 2973delTT-ter934; short protein forms V917fs.
Identifiers: ClinVar variation 266716 (VCV000266716.5), dbSNP rs886040442, ClinGen allele CA10589168.

ClinVar aggregate classification (germline): Pathogenic. Review status: reviewed by expert panel (3 of 4 stars). 2 submissions from 2 submitters: Pathogenic (1). 1 of the submissions does not count toward it. Last evaluated 2016-10-18.

Conditions:
Breast-ovarian cancer, familial, susceptibility to, 2 (BROVCA2). Also called: BRCA2 Hereditary Breast and Ovarian Cancer. Identifiers: Orphanet 145, MedGen C2675520, MONDO:0012933, OMIM 612555. Disease mechanism: loss of function.

Submissions (2):

Evidence-based Network for the Interpretation of Germline Mutant Alleles (ENIGMA)
Classification: Pathogenic for Breast-ovarian cancer, familial, susceptibility to, 2. Last evaluated: 2016-10-18. Review status: reviewed by expert panel. Criteria: ENIGMA BRCA1/2 Classification Criteria (2015). Collection method: curation. Allele origin: germline.
Comment: Variant allele predicted to encode a truncated non-functional protein.

Consortium of Investigators of Modifiers of BRCA1/2 (CIMBA), c/o University of Cambridge
Classification: Pathogenic for Breast-ovarian cancer, familial, susceptibility to, 2. Last evaluated: 2015-10-02. Review status: criteria provided, single submitter. Criteria: CIMBA Mutation Classification guidelines May 2016. Collection method: clinical testing. Allele origin: germline. Not counted in ClinVar's aggregate classification.